The following is an entry in ClinVar:

ClinVar aggregate classification (germline): Uncertain significance (1 of 4 stars; one submission).

Conditions:
Hereditary cancer-predisposing syndrome. Also called: Neoplastic Syndromes, Hereditary; Tumor predisposition; Hereditary Cancer Syndrome; Hereditary neoplastic syndrome. Identifiers: Orphanet 140162, MedGen C0027672, MeSH D009386, MONDO:0015356.

Submission:

Ambry Genetics
Classification: Uncertain significance for Hereditary cancer-predisposing syndrome. Last evaluated: 2026-04-13. Review status: criteria provided, single submitter. Criteria: Ambry Variant Classification Scheme 2023. Collection method: clinical testing. Allele origin: germline.
Comment: The p.L896M variant (also known as c.2686T>A), located in coding exon 16 of the ALK gene, results from a T to A substitution at nucleotide position 2686. The leucine at codon 896 is replaced by methionine, an amino acid with highly similar properties. This amino acid position is conserved. In addition, this alteration is predicted to be tolerated by in silico analysis. Based on the available evidence, the clinical significance of this variant remains unclear.

NM_004304.5(ALK):c.2686T>A (p.Leu896Met)

Gene: ALK (ALK receptor tyrosine kinase; minus strand). Cytogenetic location: 2p23.2.
Variant type: single nucleotide variant.
Coding change: c.2686T>A on transcript NM_004304.5 (MANE Select); coding-DNA position 2686, T replaced by A.
Protein change: p.Leu896Met; replaces leucine 896 with methionine.
Molecular consequence: missense variant.
Genome position (GRCh38, 1-based): chr2:29,229,013, A>T on the plus strand (T>A on the coding strand, the complement: ALK is on the minus strand). VCF-style: chr2-29229013-A-T. GRCh37 (hg19) VCF-style: chr2-29451879-A-T.
Other names: short protein forms L896M.
Identifiers: ClinVar variation 4869656 (VCV004869656.1).